The following is an entry in ClinVar:

ClinVar aggregate classification (germline): Uncertain significance (1 of 4 stars; one submission).

Submission:

Labcorp Genetics (formerly Invitae), Labcorp
Classification: Uncertain significance. Last evaluated: 2021-04-16. Review status: criteria provided, single submitter. Criteria: Invitae Variant Classification Sherloc (09022015). Collection method: clinical testing. Allele origin: germline.
Comment: In summary, the available evidence is currently insufficient to determine the role of this variant in disease. Therefore, it has been classified as a Variant of Uncertain Significance. Algorithms developed to predict the effect of missense changes on protein structure and function are either unavailable or do not agree on the potential impact of this missense change (SIFT: "Deleterious"; PolyPhen-2: "Benign"; Align-GVGD: "Class C0"). This variant has not been reported in the literature in individuals with SLC1A2-related conditions. This variant is not present in population databases (ExAC no frequency). This sequence change replaces alanine with threonine at codon 79 of the SLC1A2 protein (p.Ala79Thr). The alanine residue is moderately conserved and there is a small physicochemical difference between alanine and threonine.

NM_004171.4(SLC1A2):c.235G>A (p.Ala79Thr)

Gene: SLC1A2 (solute carrier family 1 member 2; minus strand). Cytogenetic location: 11p13.
Variant type: single nucleotide variant.
Coding change: c.235G>A on transcript NM_004171.4 (MANE Select); coding-DNA position 235, G replaced by A.
Protein change: p.Ala79Thr; replaces alanine 79 with threonine.
Molecular consequence: missense variant.
Genome position (GRCh38, 1-based): chr11:35,315,098, C>T on the plus strand (G>A on the coding strand, the complement: SLC1A2 is on the minus strand). VCF-style: chr11-35315098-C-T. GRCh37 (hg19) VCF-style: chr11-35336645-C-T.
Other names: c.208G>A, p.Ala70Thr (NM_001195728.3, NM_001252652.2); short protein forms A70T, A79T.
Identifiers: ClinVar variation 1473127 (VCV001473127.8), dbSNP rs2134887494, ClinGen allele CA380130561.
Genomic context (GRCh38, chr11:35,315,098, plus strand): 5'-AGATGATTAGAGGGAGAATGAGCATTTTTAGCATCCTCATGAGTATATCCCCTGGGAAGG[C>T]TATTAACATAACCACATCAGGGTGGATGGGAGATGCCAAGCGAAGAAGCCCTCCACACAC-3'
Protein context (NP_004162.2, residues 69-89): PIHPDVVMLI[Ala79Thr]FPGDILMRML